The following is an entry in ClinVar:

NM_000277.3(PAH):c.185_188dup (p.His64fs)

Gene: PAH (phenylalanine hydroxylase; minus strand). Cytogenetic location: 12q23.2.
Variant type: Duplication.
Coding change: c.185_188dup on transcript NM_000277.3 (MANE Select); coding-DNA positions 185 to 188, 4 bases duplicated (TGAC; older notation c.185_188dupTGAC).
Protein change: p.His64fs; shifts the reading frame from histidine 64.
Molecular consequence: frameshift variant.
Genome position (GRCh38, 1-based): chr12:102,894,899-102,894,902, GTCA duplicated on the plus strand (TGAC on the coding strand, the reverse complement: PAH is on the minus strand); duplicating any 4 consecutive bases within chr12:102,894,899-102,894,903 gives the same sequence; the c. name uses the placement nearest the transcript's 3' end. VCF-style (leftmost placement, unchanged base first): chr12-102894898-G-GGTCA. GRCh37 (hg19) VCF-style: chr12-103288676-G-GGTCA.
Other names: c.185_188dup, p.His64fs (NM_001354304.2); c.185_188dupTGAC (NM_000277.3); short protein forms H64fs.
Identifiers: ClinVar variation 3907324 (VCV003907324.3).

ClinVar aggregate classification (germline): Pathogenic/Likely pathogenic. Review status: criteria provided, multiple submitters, no conflicts (2 of 4 stars). 2 submissions from 2 submitters: Pathogenic (1); Likely pathogenic (1). Last evaluated 2025-06-06.

Conditions:
Phenylketonuria (PKU). Also called: FOLLING DISEASE; Phenylketonurias; Phenylketonuria (PKU); OLIGOPHRENIA PHENYLPYRUVICA. Identifiers: Orphanet 716, MedGen C0031485, MONDO:0009861, OMIM 261600. Disease mechanism: loss of function.

Submissions (2):

Women's Health and Genetics/Laboratory Corporation of America, LabCorp
Classification: Pathogenic for Phenylketonuria. Last evaluated: 2025-06-06. Review status: criteria provided, single submitter. Criteria: LabCorp Variant Classification Summary - May 2015. Collection method: clinical testing. Allele origin: germline.
Comment: Variant summary: PAH c.185_188dupTGAC (p.His64AspfsX4) results in a premature termination codon, predicted to cause a truncation of the encoded protein or absence of the protein due to nonsense mediated decay, which are commonly known mechanisms for disease. The variant was absent in 250972 control chromosomes (gnomAD). c.185_188dupTGAC has been observed in individual(s) affected with Phenylalanine Hydroxylase Deficiency (Phenylketonuria) (e.g. Li_2018). These data indicate that the variant may be associated with disease. To our knowledge, no experimental evidence demonstrating an impact on protein function has been reported. The following publication have been ascertained in the context of this evaluation (PMID: 30050108). No submitters have cited clinical-significance assessments for this variant to ClinVar. Based on the evidence outlined above, the variant was classified as pathogenic.

Juno Genomics, Hangzhou Juno Genomics, Inc
Classification: Likely pathogenic for Phenylketonuria. Review status: criteria provided, single submitter. Criteria: ACMG Guidelines, 2015. Collection method: clinical testing. Allele origin: germline.
Comment: Null variant in a gene where loss of function (LOF) is a known mechanism of disease.;Absent from controls (or at extremely low frequency if recessive) in Genome Aggregation Database.

Literature cited by the submitters: PubMed 30050108 (cited by Women's Health and Genetics/Laboratory Corporation of America, LabCorp).